The following is an entry in ClinVar:

ClinVar aggregate classification (germline): Likely pathogenic (1 of 4 stars; one submission).

Conditions:
Pseudohypoparathyroidism type I A (PHP1A). Also called: Pseudohypoparathyroidism Type IA; ALBRIGHT HEREDITARY OSTEODYSTROPHY WITH MULTIPLE HORMONE RESISTANCE; PHP IA; Pseudohypoparathyroidism type 1A; Pseudohypoparathyroidism Ia (PHP-Ia). Identifiers: Orphanet 79443, MedGen C3494506, MONDO:0007078, OMIM 103580.

Submission:

Centro Nacional de Genética Medica, Administración Nacional de Laboratorios e Institutos de Salud (ANLIS) “Dr. Carlos G Malbrán”
Classification: Likely pathogenic for Pseudohypoparathyroidism type I A. Last evaluated: 2025-04-28. Review status: criteria provided, single submitter. Criteria: ACMG Guidelines, 2015. Collection method: clinical testing. Allele origin: germline. Affected: yes. Observed: 1 variant allele.
Comment: This variant corresponds to a missense change located within the coding sequence of exon 6/13 of the GNAS gene, resulting in the substitution of arginine (a positively charged basic amino acid) at position 160 by glycine (a neutral, nonpolar amino acid). This variant is located within the highly conserved G-alpha domain, which spans amino acid residues 20 to 383 (Pfam: PF00503). This domain contains the guanine nucleotide-binding site and mediates the intrinsic GTPase activity of the protein (PM1). In the ClinVar database (PMID: 26582918), a different pathogenic missense variant affecting the same codon, p.Arg160Pro (Variation ID: 2412807), has been reported in association with pseudohypoparathyroidism type Ia (PHP-Ia) (PMID: 35991493) (PM5). The identified variant is absent from population databases such as gnomAD, ExAC, and the 1000 Genomes Project (PM2_Supporting). GNAS exhibits a low tolerance to missense variation, with a missense constraint Z-score of 4.84 in the gnomAD database (PP2). Most in silico prediction tools, including AlphaMissense, EVE, SIFT, PolyPhen, and BayesDel, classify this variant as deleterious, supporting a damaging effect on protein function (PP3). The patient's phenotype is highly consistent with pseudohypoparathyroidism type 1, and GNAS (Gsα) is strongly associated with this disorder (PP4).

Literature cited by the submitters: PubMed 26582918; PubMed 35991493.

NM_000516.7(GNAS):c.478C>G (p.Arg160Gly)

Gene: GNAS (GNAS complex locus; plus strand). Cytogenetic location: 20q13.32.
Variant type: single nucleotide variant.
Coding change: c.478C>G on transcript NM_000516.7 (MANE Select); coding-DNA position 478, C replaced by G.
Protein change: p.Arg160Gly; replaces arginine 160 with glycine.
Molecular consequence: missense variant. On other transcripts: 3 prime UTR variant (2).
Genome position (GRCh38, 1-based): chr20:58,905,428, C>G. VCF-style: chr20-58905428-C-G. GRCh37 (hg19) VCF-style: chr20-57480483-C-G.
Other names: c.481C>G, p.Arg161Gly (NM_001077488.5); c.433C>G, p.Arg145Gly (NM_001077489.4); c.*339C>G (NM_001077490.3); c.301C>G, p.Arg101Gly (NM_001309840.2, NM_001309861.2, NM_001438276.1 and 1 more transcripts); c.382C>G, p.Arg128Gly (NM_001410912.1); c.2362C>G, p.Arg788Gly (NM_001410913.1); c.256C>G, p.Arg86Gly (NM_001438273.1, NM_001438274.1, NM_001438275.1); c.*384C>G (NM_016592.5); and 2 more; short protein forms R101G, R128G, R145G, R146G, R160G, R161G, R788G, R803G.
Identifiers: ClinVar variation 4871694 (VCV004871694.1).
Genomic context (GRCh38, chr20:58,905,428, plus strand): 5'-TGTGTTCACTTTCAGGAATTCTATGAGCATGCCAAGGCTCTGTGGGAGGATGAAGGAGTG[C>G]GTGCCTGCTACGAACGCTCCAACGAGTACCAGCTGATTGACTGTGCCCAGTAGTAAGTAA-3'
Protein context (NP_000507.1, residues 150-170): AKALWEDEGV[Arg160Gly]ACYERSNEYQ